The following is an entry in ClinVar:

NM_001371623.1(TCOF1):c.2709del (p.Lys904fs)

Gene: TCOF1 (treacle ribosome biogenesis factor 1; plus strand). Cytogenetic location: 5q32.
Variant type: Deletion.
Coding change: c.2709del on transcript NM_001371623.1 (MANE Select); coding-DNA position 2709, one base deleted (C; older notation c.2709delC).
Protein change: p.Lys904fs; shifts the reading frame from lysine 904.
Molecular consequence: frameshift variant.
Genome position (GRCh38, 1-based): chr5:150,379,582, C deleted; the last of 2 consecutive C bases (chr5:150,379,581-150,379,582); deleting either gives the same sequence. VCF-style (leftmost placement, unchanged base first): chr5-150379580-GC-G. GRCh37 (hg19) VCF-style: chr5-149759143-GC-G.
Other names: c.2478del, p.Lys827fs (NM_000356.4, NM_001135245.2); c.2709del, p.Lys904fs (NM_001008657.3, NM_001135243.2, NM_001135244.2 and 1 more transcripts); short protein forms K827fs, K904fs.
Identifiers: ClinVar variation 1068832 (VCV001068832.6), dbSNP rs2150816107, ClinGen allele CA2499217740.

ClinVar aggregate classification (germline): Pathogenic (1 of 4 stars; one submission).

Conditions:
Treacher Collins syndrome 1 (TCS1). Also called: TCOF1-Related Treacher Collins Syndrome. Identifiers: Orphanet 861, MedGen CN315775, MONDO:0007944, OMIM 154500.

Submission:

Labcorp Genetics (formerly Invitae), Labcorp
Classification: Pathogenic for Treacher Collins syndrome 1. Last evaluated: 2024-10-13. Review status: criteria provided, single submitter. Criteria: Invitae Variant Classification Sherloc (09022015). Collection method: clinical testing. Allele origin: germline.
Comment: This sequence change creates a premature translational stop signal (p.Lys904Argfs*46) in the TCOF1 gene. It is expected to result in an absent or disrupted protein product. Loss-of-function variants in TCOF1 are known to be pathogenic (PMID: 8894686, 22317976). This variant is not present in population databases (gnomAD no frequency). This premature translational stop signal has been observed in individual(s) with clinical features of Treacher Collins syndrome (internal data). ClinVar contains an entry for this variant (Variation ID: 1068832). For these reasons, this variant has been classified as Pathogenic.

Literature cited by the submitters: PubMed 8894686; PubMed 22317976.